The following is an entry in ClinVar:

ClinVar aggregate classification (germline): Uncertain significance (1 of 4 stars; one submission).

Conditions:
Fanconi anemia (FA). Also called: Fanconi's anemia. Identifiers: Orphanet 84, MedGen C0015625, MeSH D005199, MONDO:0019391.

Allele frequency attached by ClinVar (database versions not stated): gnomAD 0.00001.
gnomAD v4.1: 1 of 1,612,258 alleles (0.000062%); highest among the groups gnomAD compares: African/African-American, 0.0013%; no homozygotes.

Submission:

Labcorp Genetics (formerly Invitae), Labcorp
Classification: Uncertain significance for Fanconi anemia. Last evaluated: 2020-07-23. Review status: criteria provided, single submitter. Criteria: Invitae Variant Classification Sherloc (09022015). Collection method: clinical testing. Allele origin: germline.
Comment: This sequence change replaces glutamic acid with glycine at codon 787 of the SLX4 protein (p.Glu787Gly). The glutamic acid residue is highly conserved and there is a moderate physicochemical difference between glutamic acid and glycine. This variant is not present in population databases (ExAC no frequency). This variant has not been reported in the literature in individuals with SLX4-related conditions. Algorithms developed to predict the effect of missense changes on protein structure and function are either unavailable or do not agree on the potential impact of this missense change (SIFT: "Deleterious"; PolyPhen-2: "Probably Damaging"; Align-GVGD: "Class C0"). In summary, the available evidence is currently insufficient to determine the role of this variant in disease. Therefore, it has been classified as a Variant of Uncertain Significance.

NM_032444.4(SLX4):c.2360A>G (p.Glu787Gly)

Gene: SLX4 (SLX4 structure-specific endonuclease subunit; minus strand). Cytogenetic location: 16p13.3.
Variant type: single nucleotide variant.
Coding change: c.2360A>G on transcript NM_032444.4 (MANE Select); coding-DNA position 2360, A replaced by G.
Protein change: p.Glu787Gly; replaces glutamic acid 787 with glycine.
Molecular consequence: missense variant.
Genome position (GRCh38, 1-based): chr16:3,591,278, T>C on the plus strand (A>G on the coding strand, the complement: SLX4 is on the minus strand). VCF-style: chr16-3591278-T-C. GRCh37 (hg19) VCF-style: chr16-3641279-T-C.
Other names: short protein forms E787G.
Identifiers: ClinVar variation 1022320 (VCV001022320.8), dbSNP rs1596522964, ClinGen allele CA394524086.